The following is an entry in ClinVar:

ClinVar aggregate classification (germline): Uncertain significance (1 of 4 stars; one submission).

Allele frequency attached by ClinVar (database versions not stated): gnomAD exomes 0.00001.
gnomAD v4.1: 6 of 1,523,882 alleles (0.00039%); highest among the groups gnomAD compares: Non-Finnish European, 0.00053%; no homozygotes.

Submission:

GeneDx
Classification: Uncertain significance. Last evaluated: 2019-11-26. Review status: criteria provided, single submitter. Criteria: GeneDx Variant Classification Process June 2021. Collection method: clinical testing. Allele origin: germline. Affected: yes.
Comment: Has not been previously published as pathogenic or benign to our knowledge; Not observed in large population cohorts (Lek et al., 2016); In silico analysis, which includes protein predictors and evolutionary conservation, supports that this variant does not alter protein structure/function

NM_001042545.2(LTBP4):c.4297T>C (p.Tyr1433His)

Gene: LTBP4 (latent transforming growth factor beta binding protein 4; plus strand). Cytogenetic location: 19q13.2.
Variant type: single nucleotide variant.
Coding change: c.4297T>C on transcript NM_001042545.2 (MANE Select); coding-DNA position 4297, T replaced by C.
Protein change: p.Tyr1433His; replaces tyrosine 1433 with histidine.
Molecular consequence: missense variant.
Genome position (GRCh38, 1-based): chr19:40,627,286, T>C. VCF-style: chr19-40627286-T-C. GRCh37 (hg19) VCF-style: chr19-41133191-T-C.
Other names: c.4498T>C, p.Tyr1500His (NM_001042544.1); c.4387T>C, p.Tyr1463His (NM_003573.2); short protein forms Y1433H, Y1463H, Y1500H.
Identifiers: ClinVar variation 1310575 (VCV001310575.2), dbSNP rs2146052893, ClinGen allele CA405911592.